The following is an entry in ClinVar:

NM_000277.3(PAH):c.1096C>G (p.Pro366Ala)

Gene: PAH (phenylalanine hydroxylase; minus strand). Cytogenetic location: 12q23.2.
Variant type: single nucleotide variant.
Coding change: c.1096C>G on transcript NM_000277.3 (MANE Select); coding-DNA position 1096, C replaced by G.
Protein change: p.Pro366Ala; replaces proline 366 with alanine.
Molecular consequence: missense variant.
Genome position (GRCh38, 1-based): chr12:102,843,749, G>C on the plus strand (C>G on the coding strand, the complement: PAH is on the minus strand). VCF-style: chr12-102843749-G-C. GRCh37 (hg19) VCF-style: chr12-103237527-G-C.
Other names: NM_001354304.2:c.1096C>G; c.1096C>G, p.Pro366Ala (NM_001354304.2); short protein forms P366A.
Identifiers: ClinVar variation 1810389 (VCV001810389.1), dbSNP rs2136635839, ClinGen allele CA386493311.

ClinVar aggregate classification (germline): Uncertain significance (3 of 4 stars; one submission).

Conditions:
Phenylketonuria (PKU). Also called: Phenylketonurias; OLIGOPHRENIA PHENYLPYRUVICA; FOLLING DISEASE; Phenylketonuria (PKU). Identifiers: Orphanet 716, MedGen C0031485, MONDO:0009861, OMIM 261600. Disease mechanism: loss of function.

Submission:

ClinGen PAH Variant Curation Expert Panel
Classification: Uncertain significance for Phenylketonuria. Last evaluated: 2022-10-14. Review status: reviewed by expert panel. Criteria: ClinGen PAH ACMG Specifications v1. Collection method: curation. Allele origin: germline. Inheritance: Autosomal recessive inheritance.
Comment: This c.1096C>G (p.Pro366Ala) variant in PAH was seen in a patient with PKU in trans with the likely pathogenic variant p.Gly247Arg (PMID: 28982351). This variant was absent in population databases. Computational evidence is conflicting. In summary, this variant meets criteria to be classified as uncertain significance for PAH. PAH-specific ACMG/AMP criteria applied: PM2, PM3, PP4.